The following is an entry in ClinVar:

NM_004336.5(BUB1):c.2773C>T (p.Leu925Phe)

Gene: BUB1 (BUB1 mitotic checkpoint serine/threonine kinase; minus strand). Cytogenetic location: 2q13.
Variant type: single nucleotide variant.
Coding change: c.2773C>T on transcript NM_004336.5 (MANE Select); coding-DNA position 2773, C replaced by T.
Protein change: p.Leu925Phe; replaces leucine 925 with phenylalanine.
Molecular consequence: missense variant. On other transcripts: intron variant (1).
Genome position (GRCh38, 1-based): chr2:110,641,317, G>A on the plus strand (C>T on the coding strand, the complement: BUB1 is on the minus strand). VCF-style: chr2-110641317-G-A. GRCh37 (hg19) VCF-style: chr2-111398894-G-A.
Other names: c.2713C>T, p.Leu905Phe (NM_001278616.2); c.2626-125C>T (NM_001278617.2); short protein forms L905F, L925F.
Identifiers: ClinVar variation 3483063 (VCV003483063.1).
Genomic context (GRCh38, chr2:110,641,317, plus strand): 5'-CTGCTATGGAAATAGGAAGAGAAGAACCCTGTTAAAAGCATAACACTTGCCCGTTTCCAA[G>A]TATGAAATTGTCTGGTTTAATGTCTCCATGAATGATTTCACAGTCATGCACTTGCTCAAT-3'
Protein context (NP_004327.1, residues 915-935): HGDIKPDNFI[Leu925Phe]GNGFLEQDDE

ClinVar aggregate classification (germline): Uncertain significance (1 of 4 stars; one submission).

Submission:

Ambry Genetics
Classification: Uncertain significance. Last evaluated: 2024-09-23. Review status: criteria provided, single submitter. Criteria: Ambry Variant Classification Scheme 2023. Collection method: clinical testing. Allele origin: germline.
Comment: The p.L925F variant (also known as c.2773C>T), located in coding exon 22 of the BUB1 gene, results from a C to T substitution at nucleotide position 2773. The leucine at codon 925 is replaced by phenylalanine, an amino acid with highly similar properties. This amino acid position is conserved. In addition, the in silico prediction for this alteration is inconclusive. Based on the available evidence, the clinical significance of this variant remains unclear.